The following is an entry in ClinVar:

ClinVar aggregate classification (germline): Uncertain significance (1 of 4 stars; one submission).

Conditions:
Congenital myasthenic syndrome 8. Also called: Myasthenic syndrome, congenital, 8, with pre- and postsynaptic defects; MYASTHENIC SYNDROME, CONGENITAL, DUE TO AGRIN DEFICIENCY. Identifiers: Orphanet 590, MedGen C3808739, MONDO:0014052, OMIM 615120.

Allele frequency attached by ClinVar (database versions not stated): ExAC 0.00002; gnomAD exomes 0.00001; TOPMed 0.00001.
gnomAD v4.1: 5 of 1,611,354 alleles (0.00031%); highest among the groups gnomAD compares: African/African-American, 0.0053%; no homozygotes.

Submission:

Labcorp Genetics (formerly Invitae), Labcorp
Classification: Uncertain significance for Congenital myasthenic syndrome 8. Last evaluated: 2021-09-01. Review status: criteria provided, single submitter. Criteria: Invitae Variant Classification Sherloc (09022015). Collection method: clinical testing. Allele origin: germline.
Comment: This sequence change replaces aspartic acid with glutamic acid at codon 367 of the AGRN protein (p.Asp367Glu). The aspartic acid residue is moderately conserved and there is a small physicochemical difference between aspartic acid and glutamic acid. This variant is present in population databases (rs754488616, ExAC 0.01%). This variant has not been reported in the literature in individuals affected with AGRN-related conditions. Algorithms developed to predict the effect of missense changes on protein structure and function output the following: SIFT: "Tolerated"; PolyPhen-2: "Possibly Damaging"; Align-GVGD: "Class C0". The glutamic acid amino acid residue is found in multiple mammalian species, which suggests that this missense change does not adversely affect protein function. Algorithms developed to predict the effect of sequence changes on RNA splicing suggest that this variant may create or strengthen a splice site. In summary, the available evidence is currently insufficient to determine the role of this variant in disease. Therefore, it has been classified as a Variant of Uncertain Significance.

NM_198576.4(AGRN):c.1101C>G (p.Asp367Glu)

Gene: AGRN (agrin; plus strand). Cytogenetic location: 1p36.33.
Variant type: single nucleotide variant.
Coding change: c.1101C>G on transcript NM_198576.4 (MANE Select); coding-DNA position 1101, C replaced by G.
Protein change: p.Asp367Glu; replaces aspartic acid 367 with glutamic acid.
Molecular consequence: missense variant.
Genome position (GRCh38, 1-based): chr1:1,041,626, C>G. VCF-style: chr1-1041626-C-G. GRCh37 (hg19) VCF-style: chr1-977006-C-G.
Other names: c.1101C>G, p.Asp367Glu (NM_001305275.2); c.786C>G, p.Asp262Glu (NM_001364727.2); short protein forms D367E, D262E.
Identifiers: ClinVar variation 1430766 (VCV001430766.5), dbSNP rs754488616, ClinGen allele CA508007.